The following is an entry in ClinVar:

ClinVar aggregate classification (germline): Likely benign (1 of 4 stars; one submission).

Allele frequency attached by ClinVar (database versions not stated): ExAC below 0.00001; gnomAD exomes 0.00004 and 0.00005; 1000 Genomes Project 30x 0.00016; ESP Exome Variant Server 0.00025; gnomAD 0.00033 and 0.00035; TOPMed 0.00036.
gnomAD v4.1: 110 of 1,550,866 alleles (0.0071%); highest among the groups gnomAD compares: African/African-American, 0.14%; 1 homozygote.

Submission:

GeneDx
Classification: Likely benign. Last evaluated: 2017-09-06. Review status: criteria provided, single submitter. Criteria: GeneDx Variant Classification (06012015). Collection method: clinical testing. Allele origin: germline. Affected: yes.
Comment: This variant is considered likely benign or benign based on one or more of the following criteria: it is a conservative change, it occurs at a poorly conserved position in the protein, it is predicted to be benign by multiple in silico algorithms, and/or has population frequency not consistent with disease.

NM_000126.4(ETFA):c.-31T>C

Gene: ETFA (electron transfer flavoprotein subunit alpha; minus strand). Cytogenetic location: 15q24.3.
Variant type: single nucleotide variant.
Coding change: c.-31T>C on transcript NM_000126.4 (MANE Select); 31 bases upstream of the start codon, T replaced by C.
Molecular consequence: 5 prime UTR variant.
Genome position (GRCh38, 1-based): chr15:76,311,419, A>G on the plus strand (T>C on the coding strand, the complement: ETFA is on the minus strand). VCF-style: chr15-76311419-A-G. GRCh37 (hg19) VCF-style: chr15-76603760-A-G.
Other names: c.-31T>C (NM_001127716.2).
Identifiers: ClinVar variation 511921 (VCV000511921.1), dbSNP rs368820102, ClinGen allele CA7673908.